The following is an entry in ClinVar:

ClinVar aggregate classification (germline): Uncertain significance (1 of 4 stars; one submission).

Submission:

Labcorp Genetics (formerly Invitae), Labcorp
Classification: Uncertain significance. Last evaluated: 2023-06-15. Review status: criteria provided, single submitter. Criteria: Invitae Variant Classification Sherloc (09022015). Collection method: clinical testing. Allele origin: germline.
Comment: This sequence change falls in intron 12 of the SCNN1G gene. It does not directly change the encoded amino acid sequence of the SCNN1G protein. This variant is not present in population databases (gnomAD no frequency). This variant has not been reported in the literature in individuals affected with SCNN1G-related conditions. Algorithms developed to predict the effect of sequence changes on RNA splicing suggest that this variant may create or strengthen a splice site. In summary, the available evidence is currently insufficient to determine the role of this variant in disease. Therefore, it has been classified as a Variant of Uncertain Significance.

NM_001039.4(SCNN1G):c.1570-19G>A

Gene: SCNN1G (sodium channel epithelial 1 subunit gamma; plus strand). Cytogenetic location: 16p12.2.
Variant type: single nucleotide variant.
Coding change: c.1570-19G>A on transcript NM_001039.4 (MANE Select); 19 bases into the intron before coding-DNA position 1570, G replaced by A.
Molecular consequence: intron variant.
Genome position (GRCh38, 1-based): chr16:23,215,070, G>A. VCF-style: chr16-23215070-G-A. GRCh37 (hg19) VCF-style: chr16-23226391-G-A.
Identifiers: ClinVar variation 2994959 (VCV002994959.3), dbSNP rs2506188328, ClinGen allele CA2740093273.